The following is an entry in ClinVar:

NM_000271.5(NPC1):c.1219C>T (p.Gln407Ter)

Gene: NPC1 (NPC intracellular cholesterol transporter 1; minus strand). Cytogenetic location: 18q11.2.
Variant type: single nucleotide variant.
Coding change: c.1219C>T on transcript NM_000271.5 (MANE Select); coding-DNA position 1219, C replaced by T.
Protein change: p.Gln407Ter; replaces glutamine 407 with a stop codon.
Molecular consequence: nonsense.
Genome position (GRCh38, 1-based): chr18:23,556,350, G>A on the plus strand (C>T on the coding strand, the complement: NPC1 is on the minus strand). VCF-style: chr18-23556350-G-A. GRCh37 (hg19) VCF-style: chr18-21136314-G-A.
Other names: short protein forms Q407*.
Identifiers: ClinVar variation 498154 (VCV000498154.13), dbSNP rs775629081, ClinGen allele CA8913516.

ClinVar aggregate classification (germline): Pathogenic. Review status: criteria provided, multiple submitters, no conflicts (2 of 4 stars). 2 submissions from 2 submitters: Pathogenic (2). Last evaluated 2022-04-08.

Conditions:
Niemann-Pick disease, type C1. Also called: NEUROVISCERAL STORAGE DISEASE WITH VERTICAL SUPRANUCLEAR OPHTHALMOPLEGIA; NIEMANN-PICK DISEASE WITH CHOLESTEROL ESTERIFICATION BLOCK; NIEMANN-PICK DISEASE WITHOUT SPHINGOMYELINASE DEFICIENCY; NIEMANN-PICK DISEASE, CHRONIC NEURONOPATHIC FORM; NIEMANN-PICK DISEASE, VARIANT TYPE C1. Identifiers: Orphanet 646, MedGen C3179455, MONDO:0009757, OMIM 257220.

Allele frequency attached by ClinVar (database versions not stated): gnomAD exomes below 0.00001; TOPMed below 0.00001; ExAC 0.00001; gnomAD 0.00001.

Submissions (2):

Labcorp Genetics (formerly Invitae), Labcorp
Classification: Pathogenic for Niemann-Pick disease, type C1. Last evaluated: 2022-04-08. Review status: criteria provided, single submitter. Criteria: Invitae Variant Classification Sherloc (09022015). Collection method: clinical testing. Allele origin: germline.
Comment: For these reasons, this variant has been classified as Pathogenic. ClinVar contains an entry for this variant (Variation ID: 498154). This variant has not been reported in the literature in individuals affected with NPC1-related conditions. This variant is present in population databases (rs775629081, gnomAD 0.0009%). This sequence change creates a premature translational stop signal (p.Gln407*) in the NPC1 gene. It is expected to result in an absent or disrupted protein product. Loss-of-function variants in NPC1 are known to be pathogenic (PMID: 9211850).

Eurofins Ntd Llc (ga)
Classification: Pathogenic. Last evaluated: 2016-10-25. Review status: criteria provided, single submitter. Criteria: EGL Classification Definitions 2015. Collection method: clinical testing. Allele origin: germline. Observed: 3 variant alleles, 3 heterozygotes.

Literature cited by the submitters: PubMed 9211850 (cited by Labcorp Genetics (formerly Invitae), Labcorp).